The following is an entry in ClinVar:

ClinVar aggregate classification (germline): Uncertain significance (1 of 4 stars; one submission).

Conditions:
Cardiomyopathy (CMYO). Also called: Cardiomyopathies. Identifiers: Orphanet 167848, MedGen C0878544, MONDO:0004994, HP:0001638. Inheritance: Various modes of inheritance.

Submission:

Color Diagnostics, LLC DBA Color Health
Classification: Uncertain significance for Cardiomyopathy. Last evaluated: 2023-12-05. Review status: criteria provided, single submitter. Criteria: ACMG Guidelines, 2015. Collection method: clinical testing. Allele origin: germline.
Comment: This missense variant replaces tyrosine with histidine at codon 87 of the DSG2 protein. Computational prediction tools and conservation analyses suggest that this variant may have deleterious impact on the protein function. Computational splicing tools suggest that this variant may not impact RNA splicing. To our knowledge, functional assays have not been performed for this variant nor has this variant been reported in individuals affected with cardiovascular disorders in the literature. This variant has not been identified in the general population by the Genome Aggregation Database (gnomAD). Available evidence is insufficient to determine the role of this variant in disease conclusively. Therefore, this variant is classified as a Variant of Uncertain Significance.

NM_001943.5(DSG2):c.259T>C (p.Tyr87His)

Gene: DSG2 (desmoglein 2; plus strand). Cytogenetic location: 18q12.1.
Variant type: single nucleotide variant.
Coding change: c.259T>C on transcript NM_001943.5 (MANE Select); coding-DNA position 259, T replaced by C.
Protein change: p.Tyr87His; replaces tyrosine 87 with histidine.
Molecular consequence: missense variant.
Genome position (GRCh38, 1-based): chr18:31,520,845, T>C. VCF-style: chr18-31520845-T-C. GRCh37 (hg19) VCF-style: chr18-29100808-T-C.
Other names: short protein forms Y87H.
Identifiers: ClinVar variation 925370 (VCV000925370.5), dbSNP rs2073123289, ClinGen allele CA402131338.